The following is an entry in ClinVar:

NM_001244008.2(KIF1A):c.4339C>G (p.Arg1447Gly)

Gene: KIF1A (kinesin family member 1A; minus strand). Cytogenetic location: 2q37.3.
Variant type: single nucleotide variant.
Coding change: c.4339C>G on transcript NM_001244008.2 (MANE Select); coding-DNA position 4339, C replaced by G.
Protein change: p.Arg1447Gly; replaces arginine 1447 with glycine.
Molecular consequence: missense variant.
Genome position (GRCh38, 1-based): chr2:240,723,538, G>C on the plus strand (C>G on the coding strand, the complement: KIF1A is on the minus strand). VCF-style: chr2-240723538-G-C. GRCh37 (hg19) VCF-style: chr2-241662955-G-C.
Other names: c.4063C>G, p.Arg1355Gly (NM_001320705.2, NM_001379649.1); c.4090C>G, p.Arg1364Gly (NM_001330289.2); c.4138C>G, p.Arg1380Gly (NM_001330290.2, NM_001379648.1); c.4414C>G, p.Arg1472Gly (NM_001379631.1); c.4315C>G, p.Arg1439Gly (NM_001379632.1); c.4312C>G, p.Arg1438Gly (NM_001379633.1, NM_001379645.1); c.4165C>G, p.Arg1389Gly (NM_001379634.1); c.4162C>G, p.Arg1388Gly (NM_001379635.1, NM_001379646.1); and 7 more; short protein forms R1345G, R1371G, R1384G, R1388G, R1438G, R1364G, R1389G, R1472G.
Identifiers: ClinVar variation 2932507 (VCV002932507.3), dbSNP rs1057519240, ClinGen allele CA351305634.

ClinVar aggregate classification (germline): Uncertain significance (1 of 4 stars; one submission).

Conditions:
Neuropathy, hereditary sensory, type 2C. Also called: Hereditary sensory and autonomic neuropathy type IIC; KIF1A-Related HSAN2 (HSAN2C). Identifiers: Orphanet 970, MedGen C3280168, MONDO:0013634, OMIM 614213.
Hereditary spastic paraplegia 30. Identifiers: Orphanet 101010, MedGen C5235139, MONDO:0012476.
Intellectual disability, autosomal dominant 9 (NESCAVS). Also called: NESCAV SYNDROME; KIF1A-Related Neurodevelopmental Disorder. Identifiers: Orphanet 662367, MedGen C5393830, MONDO:0013656, OMIM 614255.

Allele frequency attached by ClinVar (database versions not stated): gnomAD 0.00001.
gnomAD v4.1: 3 of 1,541,064 alleles (0.00019%); highest among the groups gnomAD compares: South Asian, 0.0036%; no homozygotes.

Submission:

Labcorp Genetics (formerly Invitae), Labcorp
Classification: Uncertain significance for Hereditary spastic paraplegia 30; Neuropathy, hereditary sensory, type 2C; Intellectual disability, autosomal dominant 9. Last evaluated: 2023-10-28. Review status: criteria provided, single submitter. Criteria: Invitae Variant Classification Sherloc (09022015). Collection method: clinical testing. Allele origin: germline.
Comment: This sequence change replaces arginine, which is basic and polar, with glycine, which is neutral and non-polar, at codon 1346 of the KIF1A protein (p.Arg1346Gly). This variant is not present in population databases (gnomAD no frequency). This variant has not been reported in the literature in individuals affected with KIF1A-related conditions. Advanced modeling of protein sequence and biophysical properties (such as structural, functional, and spatial information, amino acid conservation, physicochemical variation, residue mobility, and thermodynamic stability) performed at Invitae indicates that this missense variant is not expected to disrupt KIF1A protein function with a negative predictive value of 95%. In summary, the available evidence is currently insufficient to determine the role of this variant in disease. Therefore, it has been classified as a Variant of Uncertain Significance.